The following is an entry in ClinVar:

NM_000088.4(COL1A1):c.580G>T (p.Gly194Cys)

Gene: COL1A1 (collagen type I alpha 1 chain; minus strand). Cytogenetic location: 17q21.33.
Variant type: single nucleotide variant.
Coding change: c.580G>T on transcript NM_000088.4 (MANE Select); coding-DNA position 580, G replaced by T.
Protein change: p.Gly194Cys; replaces glycine 194 with cysteine.
Molecular consequence: missense variant.
Genome position (GRCh38, 1-based): chr17:50,198,169, C>A on the plus strand (G>T on the coding strand, the complement: COL1A1 is on the minus strand). VCF-style: chr17-50198169-C-A. GRCh37 (hg19) VCF-style: chr17-48275530-C-A.
Other names: short protein forms G194C.
Identifiers: ClinVar variation 3634734 (VCV003634734.2).
Genomic context (GRCh38, chr17:50,198,169, plus strand): 5'-CTCCAAAAGACCAAAGCCCAAGGAGGCATATGAAGACGTCCTGGATACTCACAGGTGCAC[C>A]AGGGGGGCCAGGGAGACCACGAGGACCAGAGGGACCCTATAGAGGGAGAAGAAAGGGGGG-3'
Protein context (NP_000079.2, residues 184-204): SGPRGLPGPP[Gly194Cys]APGPQGFQGP

ClinVar aggregate classification (germline): Pathogenic (1 of 4 stars; one submission).

Conditions:
Osteogenesis imperfecta type I (OI1). Also called: Lobstein's Disease; Lobstein disease; Classic Non-deforming Osteogenesis Imperfecta with Blue Sclerae; OI, TYPE I; OSTEOGENESIS IMPERFECTA TARDA; OSTEOGENESIS IMPERFECTA WITH BLUE SCLERAE. Identifiers: Orphanet 216796, Orphanet 666, MedGen C0023931, MONDO:0008146, OMIM 166200. Disease mechanism: loss of function.

Submission:

Labcorp Genetics (formerly Invitae), Labcorp
Classification: Pathogenic for Osteogenesis imperfecta type I. Last evaluated: 2024-11-05. Review status: criteria provided, single submitter. Criteria: Invitae Variant Classification Sherloc (09022015). Collection method: clinical testing. Allele origin: germline.
Comment: This sequence change replaces glycine, which is neutral and non-polar, with cysteine, which is neutral and slightly polar, at codon 194 of the COL1A1 protein (p.Gly194Cys). This variant is not present in population databases (gnomAD no frequency). This variant has not been reported in the literature in individuals affected with COL1A1-related conditions. Invitae Evidence Modeling of protein sequence and biophysical properties (such as structural, functional, and spatial information, amino acid conservation, physicochemical variation, residue mobility, and thermodynamic stability) indicates that this missense variant is expected to disrupt COL1A1 protein function with a positive predictive value of 95%. This variant disrupts the triple helix domain of COL1A1. Glycine residues within the Gly-Xaa-Yaa repeats of the triple helix domain are required for the structure and stability of fibrillar collagens (PMID: 7695699, 8218237, 19344236). In COL1A1, variants affecting these glycine residues are significantly enriched in individuals with disease (PMID: 9016532, 17078022) compared to the general population (ExAC). This variant disrupts the p.Gly194 amino acid residue in COL1A1. Other variant(s) that disrupt this residue have been observed in individuals with COL1A1-related conditions (PMID: 16705691, 22753364, 36709916), which suggests that this may be a clinically significant amino acid residue. For these reasons, this variant has been classified as Pathogenic.

Literature cited by the submitters: PubMed 7695699; PubMed 8218237; PubMed 19344236; PubMed 9016532; PubMed 17078022; PubMed 16705691; PubMed 22753364; PubMed 36709916.